The following is an entry in ClinVar:

NM_006231.4(POLE):c.6841A>G (p.Asn2281Asp)

Gene: POLE (DNA polymerase epsilon, catalytic subunit; minus strand). Cytogenetic location: 12q24.33.
Variant type: single nucleotide variant.
Coding change: c.6841A>G on transcript NM_006231.4 (MANE Select); coding-DNA position 6841, A replaced by G.
Protein change: p.Asn2281Asp; replaces asparagine 2281 with aspartic acid.
Molecular consequence: missense variant.
Genome position (GRCh38, 1-based): chr12:132,624,717, T>C on the plus strand (A>G on the coding strand, the complement: POLE is on the minus strand). VCF-style: chr12-132624717-T-C. GRCh37 (hg19) VCF-style: chr12-133201303-T-C.
Other names: short protein forms N2281D.
Identifiers: ClinVar variation 2625240 (VCV002625240.2), dbSNP rs2541831792, ClinGen allele CA387365603.

ClinVar aggregate classification (germline): Uncertain significance (1 of 4 stars; one submission).

Conditions:
Hereditary cancer-predisposing syndrome. Also called: Tumor predisposition; Hereditary Cancer Syndrome; Hereditary neoplastic syndrome; Neoplastic Syndromes, Hereditary. Identifiers: Orphanet 140162, MedGen C0027672, MeSH D009386, MONDO:0015356.

Submission:

Ambry Genetics
Classification: Uncertain significance for Hereditary cancer-predisposing syndrome. Last evaluated: 2023-07-29. Review status: criteria provided, single submitter. Criteria: Ambry Variant Classification Scheme 2023. Collection method: clinical testing. Allele origin: germline.
Comment: The p.N2281D variant (also known as c.6841A>G), located in coding exon 49 of the POLE gene, results from an A to G substitution at nucleotide position 6841. The asparagine at codon 2281 is replaced by aspartic acid, an amino acid with highly similar properties. This amino acid position is conserved. In addition, this alteration is predicted to be tolerated by in silico analysis. Since supporting evidence is limited at this time, the clinical significance of this alteration remains unclear.